The following is an entry in ClinVar:

ClinVar aggregate classification (germline): Uncertain significance (1 of 4 stars; one submission).

Conditions:
Hereditary cancer-predisposing syndrome. Also called: Tumor predisposition; Hereditary Cancer Syndrome; Hereditary neoplastic syndrome; Neoplastic Syndromes, Hereditary. Identifiers: Orphanet 140162, MedGen C0027672, MeSH D009386, MONDO:0015356.

Submission:

Ambry Genetics
Classification: Uncertain significance for Hereditary cancer-predisposing syndrome. Last evaluated: 2024-06-06. Review status: criteria provided, single submitter. Criteria: Ambry Variant Classification Scheme 2023. Collection method: clinical testing. Allele origin: germline.
Comment: The p.I296F variant (also known as c.886A>T) is located in coding exon 10 of the NF2 gene. The isoleucine at codon 296 is replaced by phenylalanine, an amino acid with highly similar properties. This change occurs in the first base pair of coding exon 10. This amino acid position is conserved. In addition, this alteration is predicted to be deleterious by in silico analysis. Based on the available evidence, the clinical significance of this variant remains unclear.

NM_000268.4(NF2):c.886A>T (p.Ile296Phe)

Gene: NF2 (NF2, moesin-ezrin-radixin like (MERLIN) tumor suppressor; plus strand). Cytogenetic location: 22q12.2.
Variant type: single nucleotide variant.
Coding change: c.886A>T on transcript NM_000268.4 (MANE Select); coding-DNA position 886, A replaced by T.
Protein change: p.Ile296Phe; replaces isoleucine 296 with phenylalanine.
Molecular consequence: missense variant. On other transcripts: non-coding transcript variant (1), intron variant (1).
Genome position (GRCh38, 1-based): chr22:29,668,333, A>T. VCF-style: chr22-29668333-A-T. GRCh37 (hg19) VCF-style: chr22-30064322-A-T.
Other names: c.772A>T, p.Ile258Phe (NM_001407053.1, NM_001407056.1); c.763A>T, p.Ile255Phe (NM_001407054.1, NM_001407058.1, NM_181829.3); c.760A>T, p.Ile254Phe (NM_001407055.1, NM_181828.3); c.751A>T, p.Ile251Phe (NM_001407057.1, NM_001407059.1); c.886A>T, p.Ile296Phe (NM_001407060.1, NM_001407066.1, NM_016418.5 and 2 more transcripts); c.628A>T, p.Ile210Phe (NM_001407062.1); c.637A>T, p.Ile213Phe (NM_001407063.1, NM_001407064.1, NM_181830.3 and 1 more transcripts); c.352A>T, p.Ile118Phe (NM_001407065.1); and 2 more; short protein forms I118F, I213F, I251F, I296F, I210F, I255F, I219F, I254F.
Identifiers: ClinVar variation 3299443 (VCV003299443.1).